The following is an entry in ClinVar:

NM_000059.4(BRCA2):c.1662T>A (p.Cys554Ter)

Gene: BRCA2 (BRCA2 DNA repair associated; plus strand). Cytogenetic location: 13q13.1.
Variant type: single nucleotide variant.
Coding change: c.1662T>A on transcript NM_000059.4 (MANE Select); coding-DNA position 1662, T replaced by A.
Protein change: p.Cys554Ter; replaces cysteine 554 with a stop codon.
Molecular consequence: nonsense. On other transcripts: intron variant (1), non-coding transcript variant (1).
Genome position (GRCh38, 1-based): chr13:32,333,140, T>A. VCF-style: chr13-32333140-T-A. GRCh37 (hg19) VCF-style: chr13-32907277-T-A.
Other names: c.424+2110T>A (NM_001406722.1); c.1662T>A, p.Cys554Ter (NM_001406719.1, NM_001406720.1, NM_001406721.1 and 1 more transcripts); short protein forms C554*.
Identifiers: ClinVar variation 3895506 (VCV003895506.1).
Genomic context (GRCh38, chr13:32,333,140, plus strand): 5'-AGCCTCTGAAAGTGGACTGGAAATACATACTGTTTGCTCACAGAAGGAGGACTCCTTATG[T>A]CCAAATTTAATTGATAATGGAAGCTGGCCAGCCACCACCACACAGAATTCTGTAGCTTTG-3'

ClinVar aggregate classification (germline): Likely pathogenic (1 of 4 stars; one submission).

Conditions:
Breast-ovarian cancer, familial, susceptibility to, 2 (BROVCA2). Also called: BRCA2 Hereditary Breast and Ovarian Cancer. Identifiers: Orphanet 145, MedGen C2675520, MONDO:0012933, OMIM 612555. Disease mechanism: loss of function.

Submission:

Neuberg Centre For Genomic Medicine, NCGM
Classification: Likely pathogenic for Breast-ovarian cancer, familial, susceptibility to, 2. Last evaluated: 2024-02-01. Review status: criteria provided, single submitter. Criteria: ACMG Guidelines, 2015. Collection method: clinical testing. Allele origin: germline. Inheritance: Autosomal dominant inheritance. Affected: yes.
Comment: The stop gained c.1662T>A (p.Cys554Ter) variant in BRCA2 gene has not been previously reported reported previously as a pathogenic variant nor as a benign variant, to our knowledge. The p.Cys554Ter variant is absent in gnomAD Exomes. This variant has not been submitted to the ClinVar database. Computational evidence (Mutation Taster - Disease causing) predicts damaging effect on protein structure and function for this variant. The reference nucleotide change c.1662T>A on BRCA2 gene is predicted as conserved by GERP++ and PhyloP across 100 vertebrates. This sequence change creates a premature translational stop signal (p.Cys554Ter) in the BRCA2 gene. This variant is predicted to cause loss of normal protein function through protein truncation. Loss of function variants in BRCA2 gene have been previously reported to be disease causing (Borg A, et al. 2010). Additional functional studies will be required to prove the pathogenicity of this variant conclusively. For these reasons, this variant has been classified as Likely Pathogenic.